The following is an entry in ClinVar:

NM_003737.4(DCHS1):c.6803T>C (p.Ile2268Thr)

Gene: DCHS1 (dachsous cadherin-related 1; minus strand). Cytogenetic location: 11p15.4.
Variant type: single nucleotide variant.
Coding change: c.6803T>C on transcript NM_003737.4 (MANE Select); coding-DNA position 6803, T replaced by C.
Protein change: p.Ile2268Thr; replaces isoleucine 2268 with threonine.
Molecular consequence: missense variant.
Genome position (GRCh38, 1-based): chr11:6,625,656, A>G on the plus strand (T>C on the coding strand, the complement: DCHS1 is on the minus strand). VCF-style: chr11-6625656-A-G. GRCh37 (hg19) VCF-style: chr11-6646887-A-G.
Other names: c.6803T>C (NM_003737.3); short protein forms I2268T.
Identifiers: ClinVar variation 1438848 (VCV001438848.11), dbSNP rs766133504, ClinGen allele CA5859768.

ClinVar aggregate classification (germline): Uncertain significance. Review status: criteria provided, multiple submitters, no conflicts (2 of 4 stars). 3 submissions from 3 submitters: Uncertain significance (3). Last evaluated 2025-05-02.

Allele frequency attached by ClinVar (database versions not stated): gnomAD exomes 0.00003 and 0.00002; TOPMed 0.00002; gnomAD 0.00001; ExAC 0.00002.
gnomAD v4.1: 52 of 1,613,332 alleles (0.0032%); highest among the groups gnomAD compares: Middle Eastern, 0.099%; no homozygotes.

Submissions (3):

Labcorp Genetics (formerly Invitae), Labcorp
Classification: Uncertain significance. Last evaluated: 2025-05-02. Review status: criteria provided, single submitter. Criteria: Invitae Variant Classification Sherloc (09022015). Collection method: clinical testing. Allele origin: germline.
Comment: This sequence change replaces isoleucine, which is neutral and non-polar, with threonine, which is neutral and polar, at codon 2268 of the DCHS1 protein (p.Ile2268Thr). This variant is present in population databases (rs766133504, gnomAD 0.004%). This missense change has been observed in individual(s) with arrhythmogenic cardiomyopathy (PMID: 30453078). ClinVar contains an entry for this variant (Variation ID: 1438848). Invitae Evidence Modeling of protein sequence and biophysical properties (such as structural, functional, and spatial information, amino acid conservation, physicochemical variation, residue mobility, and thermodynamic stability) indicates that this missense variant is not expected to disrupt DCHS1 protein function with a negative predictive value of 80%. In summary, the available evidence is currently insufficient to determine the role of this variant in disease. Therefore, it has been classified as a Variant of Uncertain Significance.

Dasa
Classification: Uncertain significance. Last evaluated: 2025-03-21. Review status: criteria provided, single submitter. Criteria: DASA Assertion Criteria. Collection method: clinical testing. Allele origin: germline.
Comment: NM_003737.4(DCHS1):c.6803T>C (p.Ile2268Thr) is a missense variant that results in the substitution of isoleucine with threonine. This variant is rare in population databases. Computational prediction algorithms are consistent with a benign effect. The currently available literature and clinical evidence are not sufficient to establish a definitive association between this variant and the reported condition. Therefore, this variant is classified as a variant of uncertain significance.

GeneDx
Classification: Uncertain significance. Last evaluated: 2024-11-14. Review status: criteria provided, single submitter. Criteria: GeneDx Variant Classification Process June 2021. Collection method: clinical testing. Allele origin: germline. Affected: yes.
Comment: Identified as a candidate gene in an individual with arrhythmogenic cardiomyopathy (PMID: 30453078); In silico analysis supports that this missense variant has a deleterious effect on protein structure/function; This variant is associated with the following publications: (PMID: 30453078)

Literature cited by the submitters: PubMed 30453078 (cited by Labcorp Genetics (formerly Invitae), Labcorp).